The following is an entry in ClinVar:

NM_000268.4(NF2):c.1303G>T (p.Val435Leu)

Gene: NF2 (NF2, moesin-ezrin-radixin like (MERLIN) tumor suppressor; plus strand). Cytogenetic location: 22q12.2.
Variant type: single nucleotide variant.
Coding change: c.1303G>T on transcript NM_000268.4 (MANE Select); coding-DNA position 1303, G replaced by T.
Protein change: p.Val435Leu; replaces valine 435 with leucine.
Molecular consequence: missense variant. On other transcripts: non-coding transcript variant (1), intron variant (1).
Genome position (GRCh38, 1-based): chr22:29,673,449, G>T. VCF-style: chr22-29673449-G-T. GRCh37 (hg19) VCF-style: chr22-30069438-G-T.
Other names: c.1303G>T, p.Val435Leu (NM_016418.5, NM_181825.3, NM_181832.3); c.1177G>T, p.Val393Leu (NM_181828.3); c.1180G>T, p.Val394Leu (NM_181829.3); c.1054G>T, p.Val352Leu (NM_181830.3, NM_181831.3); c.448-21303G>T (NM_181833.3); short protein forms V435L, V393L, V394L, V352L.
Identifiers: ClinVar variation 457894 (VCV000457894.11), dbSNP rs772334382, ClinGen allele CA029467.

ClinVar aggregate classification (germline): Conflicting classifications of pathogenicity. Review status: criteria provided, conflicting classifications (1 of 4 stars). 2 submissions from 2 submitters: Uncertain significance (1); Likely benign (1). Last evaluated 2025-07-19.

Conditions:
Hereditary cancer-predisposing syndrome. Also called: Neoplastic Syndromes, Hereditary; Tumor predisposition; Hereditary neoplastic syndrome; Hereditary Cancer Syndrome. Identifiers: Orphanet 140162, MedGen C0027672, MeSH D009386, MONDO:0015356.
Neurofibromatosis, type 2 (SWNV). Also called: BILATERAL ACOUSTIC NEUROFIBROMATOSIS; SCHWANNOMATOSIS, VESTIBULAR; NF2-Related Schwannomatosis. Identifiers: Orphanet 637, MedGen C0027832, MONDO:0007039, OMIM 101000. Disease mechanism: loss of function.

Allele frequency attached by ClinVar (database versions not stated): TOPMed below 0.00001; gnomAD exomes 0.00001; ExAC 0.00002.
gnomAD v4.1: 3 of 1,611,906 alleles (0.00019%); highest among the groups gnomAD compares: East Asian, 0.0045%; no homozygotes.

Submissions (2):

Labcorp Genetics (formerly Invitae), Labcorp
Classification: Uncertain significance for Neurofibromatosis, type 2. Last evaluated: 2025-07-19. Review status: criteria provided, single submitter. Criteria: Invitae Variant Classification Sherloc (09022015). Collection method: clinical testing. Allele origin: germline.
Comment: This sequence change replaces valine, which is neutral and non-polar, with leucine, which is neutral and non-polar, at codon 435 of the NF2 protein (p.Val435Leu). This variant is present in population databases (rs772334382, gnomAD 0.01%). This variant has not been reported in the literature in individuals affected with NF2-related conditions. ClinVar contains an entry for this variant (Variation ID: 457894). Invitae Evidence Modeling of protein sequence and biophysical properties (such as structural, functional, and spatial information, amino acid conservation, physicochemical variation, residue mobility, and thermodynamic stability) indicates that this missense variant is not expected to disrupt NF2 protein function with a negative predictive value of 80%. In summary, the available evidence is currently insufficient to determine the role of this variant in disease. Therefore, it has been classified as a Variant of Uncertain Significance.

Ambry Genetics
Classification: Likely benign for Hereditary cancer-predisposing syndrome. Last evaluated: 2022-09-16. Review status: criteria provided, single submitter. Criteria: Ambry Variant Classification Scheme 2023. Collection method: clinical testing. Allele origin: germline.